The following is an entry in ClinVar:

ClinVar aggregate classification (germline): Pathogenic. Review status: criteria provided, single submitter (1 of 4 stars). 2 submissions from 2 submitters: Pathogenic (1). 1 of the submissions does not count toward it. Last evaluated 2023-09-19.

Conditions:
Megaloblastic anemia, thiamine-responsive, with diabetes mellitus and sensorineural deafness (TRMA). Also called: Thiamine-Responsive Megaloblastic Anemia Syndrome; ROGERS SYNDROME; THIAMINE-RESPONSIVE ANEMIA SYNDROME; THIAMINE-RESPONSIVE MYELODYSPLASIA; THIAMINE METABOLISM DYSFUNCTION SYNDROME 1 (MEGALOBLASTIC ANEMIA, DIABETES MELLITUS, AND DEAFNESS TYPE). Identifiers: Orphanet 49827, MedGen C0342287, MONDO:0009575, OMIM 249270.

Submissions (2):

Labcorp Genetics (formerly Invitae), Labcorp
Classification: Pathogenic. Last evaluated: 2023-09-19. Review status: criteria provided, single submitter. Criteria: Invitae Variant Classification Sherloc (09022015). Collection method: clinical testing. Allele origin: germline.
Comment: For these reasons, this variant has been classified as Pathogenic. ClinVar contains an entry for this variant (Variation ID: 5956). This premature translational stop signal has been observed in individual(s) with thiamine-responsive megaloblastic anemia (PMID: 10391221). This variant is not present in population databases (gnomAD no frequency). This sequence change creates a premature translational stop signal (p.Pro242Glnfs*18) in the SLC19A2 gene. It is expected to result in an absent or disrupted protein product. Loss-of-function variants in SLC19A2 are known to be pathogenic (PMID: 10391221, 10391223, 10874303).

OMIM
Classification: Pathogenic for THIAMINE-RESPONSIVE MEGALOBLASTIC ANEMIA SYNDROME. Last evaluated: 1999-07-01. Review status: no assertion criteria provided. Collection method: literature only. Allele origin: germline. Not counted in ClinVar's aggregate classification.

Literature cited by the submitters: PubMed 10391221 (cited by Labcorp Genetics (formerly Invitae), Labcorp and OMIM); PubMed 10391223 (cited by Labcorp Genetics (formerly Invitae), Labcorp); PubMed 10874303 (cited by Labcorp Genetics (formerly Invitae), Labcorp).

NM_006996.3(SLC19A2):c.725del (p.Pro242fs)

Gene: SLC19A2 (solute carrier family 19 member 2; minus strand). Cytogenetic location: 1q24.2.
Variant type: Deletion.
Coding change: c.725del on transcript NM_006996.3 (MANE Select); coding-DNA position 725, one base deleted (C; older notation c.725delC).
Protein change: p.Pro242fs; shifts the reading frame from proline 242.
Molecular consequence: frameshift variant. On other transcripts: intron variant (1).
Genome position (GRCh38, 1-based): chr1:169,477,237, G deleted on the plus strand (C on the coding strand, the reverse complement: SLC19A2 is on the minus strand); the first of 4 consecutive G bases (chr1:169,477,237-169,477,240); deleting any one gives the same sequence. VCF-style (leftmost placement, unchanged base first): chr1-169477236-TG-T. GRCh37 (hg19) VCF-style: chr1-169446474-TG-T.
Other names: c.205-7051del (NM_001319667.1); short protein forms P242fs.
Identifiers: ClinVar variation 5956 (VCV000005956.4), dbSNP rs1571537544, ClinGen allele CA658683069.